The following is an entry in ClinVar:

ClinVar aggregate classification (germline): Uncertain significance (1 of 4 stars; one submission).

gnomAD v4.1: 32 of 1,613,792 alleles (0.002%); highest among the groups gnomAD compares: Middle Eastern, 0.18%; no homozygotes.

Submission:

Quest Diagnostics Nichols Institute San Juan Capistrano
Classification: Uncertain significance. Last evaluated: 2024-04-05. Review status: criteria provided, single submitter. Criteria: Quest Diagnostics criteria. Collection method: clinical testing. Allele origin: unknown.
Comment: The VWF c.3328G>A (p.Val1110Met) variant has not been reported in individuals with VWF-related conditions in the published literature. The frequency of this variant in the general population, 0.000014 (4/278292 chromosomes (Genome Aggregation Database)), is uninformative in the assessment of its pathogenicity. Analysis of this variant using bioinformatics tools for the prediction of the effect of amino acid changes on protein structure and function yielded predictions that this variant is benign. Based on the available information, we are unable to determine the clinical significance of this variant.

NM_000552.5(VWF):c.3328G>A (p.Val1110Met)

Gene: VWF (von Willebrand factor; minus strand). Cytogenetic location: 12p13.31.
Variant type: single nucleotide variant.
Coding change: c.3328G>A on transcript NM_000552.5 (MANE Select); coding-DNA position 3328, G replaced by A.
Protein change: p.Val1110Met; replaces valine 1110 with methionine.
Molecular consequence: missense variant.
Genome position (GRCh38, 1-based): chr12:6,023,682, C>T on the plus strand (G>A on the coding strand, the complement: VWF is on the minus strand). VCF-style: chr12-6023682-C-T. GRCh37 (hg19) VCF-style: chr12-6132848-C-T.
Other names: short protein forms V1110M.
Identifiers: ClinVar variation 3572162 (VCV003572162.1).